The following is an entry in ClinVar:

ClinVar aggregate classification (germline): Uncertain significance (1 of 4 stars; one submission).

Allele frequency attached by ClinVar (database versions not stated): gnomAD 0.00001.
gnomAD v4.1: 1 of 1,605,246 alleles (0.000062%); highest among the groups gnomAD compares: Admixed American, 0.0017%; no homozygotes.

Submission:

Labcorp Genetics (formerly Invitae), Labcorp
Classification: Uncertain significance. Last evaluated: 2023-08-10. Review status: criteria provided, single submitter. Criteria: Invitae Variant Classification Sherloc (09022015). Collection method: clinical testing. Allele origin: germline.
Comment: ClinVar contains an entry for this variant (Variation ID: 1943621). In summary, the available evidence is currently insufficient to determine the role of this variant in disease. Therefore, it has been classified as a Variant of Uncertain Significance. Advanced modeling of protein sequence and biophysical properties (such as structural, functional, and spatial information, amino acid conservation, physicochemical variation, residue mobility, and thermodynamic stability) performed at Invitae indicates that this missense variant is not expected to disrupt SLC18A3 protein function. This variant has not been reported in the literature in individuals affected with SLC18A3-related conditions. This variant is present in population databases (no rsID available, gnomAD 0.1%). This sequence change replaces serine, which is neutral and polar, with threonine, which is neutral and polar, at codon 370 of the SLC18A3 protein (p.Ser370Thr).

NM_003055.3(SLC18A3):c.1109G>C (p.Ser370Thr)

Genes: CHAT (choline O-acetyltransferase; plus strand), SLC18A3 (solute carrier family 18 member A3; plus strand). Cytogenetic location: 10q11.23.
Variant type: single nucleotide variant.
Coding change: c.1109G>C on transcript NM_003055.3 (MANE Select); coding-DNA position 1109, G replaced by C.
Protein change: p.Ser370Thr; replaces serine 370 with threonine.
Molecular consequence: missense variant. On other transcripts: intron variant (1).
Genome position (GRCh38, 1-based): chr10:49,611,849, G>C. VCF-style: chr10-49611849-G-C. GRCh37 (hg19) VCF-style: chr10-50819895-G-C.
Other names: c.-69+2650G>C (NM_020984.4); short protein forms S370T.
Identifiers: ClinVar variation 1943621 (VCV001943621.4), dbSNP rs776627836, ClinGen allele CA376722063.
Genomic context (GRCh38, chr10:49,611,849, plus strand): 5'-CGCGCTACCCACACCTGCAGTGGCTGTACGGCGCGCTTGGGCTGGCTGTGATCGGCGCCA[G>C]CTCGTGCATCGTGCCCGCCTGCCGCTCCTTCGCGCCGCTAGTGGTCTCACTATGCGGCCT-3'
Protein context (NP_003046.2, residues 360-380): GALGLAVIGA[Ser370Thr]SCIVPACRSF